The following is an entry in ClinVar:

ClinVar aggregate classification (germline): Pathogenic. Review status: criteria provided, multiple submitters, no conflicts (2 of 4 stars). 3 submissions from 3 submitters: Pathogenic (3). Last evaluated 2020-11-09.

Conditions:
Hereditary cancer-predisposing syndrome. Also called: Neoplastic Syndromes, Hereditary; Hereditary Cancer Syndrome; Hereditary neoplastic syndrome; Tumor predisposition. Identifiers: Orphanet 140162, MedGen C0027672, MeSH D009386, MONDO:0015356.
Familial thoracic aortic aneurysm and aortic dissection (TAAD). Also called: Thoracic aortic aneurysms and dissections. Identifiers: Orphanet 91387, MedGen C4707243, MONDO:0019625.
Juvenile polyposis/hereditary hemorrhagic telangiectasia syndrome (JPHT). Also called: POLYPOSIS, GENERALIZED JUVENILE, WITH PULMONARY ARTERIOVENOUS MALFORMATION; TELANGIECTASIA, HEREDITARY HEMORRHAGIC, WITH JUVENILE POLYPOSIS COLI; Juvenile Polyposis Syndrome / Hereditary Hemorrhagic Telangiectasia (JPS/HHT); JP/HHT SYNDROME; JUVENILE POLYPOSIS WITH HEREDITARY HEMORRHAGIC TELANGIECTASIA. Identifiers: Orphanet 2929, MedGen C1832942, MONDO:0008278, OMIM 175050.

Submissions (3):

Department of Pathology and Laboratory Medicine, Sinai Health System
Classification: Pathogenic for juvenile polyposis/hereditary hemorrhagic telangiectasia syndrome. Last evaluated: 2020-11-09. Review status: criteria provided, single submitter. Criteria: ACMG Guidelines, 2015. Collection method: clinical testing. Allele origin: germline. Affected: yes.

Ambry Genetics
Classification: Pathogenic for Hereditary cancer-predisposing syndrome; Familial thoracic aortic aneurysm and aortic dissection. Last evaluated: 2019-10-18. Review status: criteria provided, single submitter. Criteria: Ambry Variant Classification Scheme 2023. Collection method: clinical testing. Allele origin: germline.
Comment: The c.1140-1G>A intronic pathogenic mutation results from a G to A substitution one nucleotide upstream from coding exon 9 of the SMAD4 gene. This mutation has been reported in an individual with juvenile polyposis syndrome (JPS), with gastric polyposis and nosebleeds in childhood (Kager LM et al. Gastroenterology, 2014 Nov;147:974-6). In addition to the clinical data presented in the literature, alterations that disrupt the canonical splice site are expected to cause aberrant splicing, resulting in an abnormal protein or a transcript that is subject to nonsense-mediated mRNA decay. As such, this alteration is classified as a disease-causing mutation.

GeneDx
Classification: Pathogenic. Last evaluated: 2017-08-09. Review status: criteria provided, single submitter. Criteria: GeneDx Variant Classification (06012015). Collection method: clinical testing. Allele origin: germline. Affected: yes.
Comment: The c.1140-1 G>A splice site variant in the SMAD4 gene has been previously reported in associationwith juvenile polyposis syndrome (Kager et al., 2014). This pathogenic variant destroys the canonicalsplice acceptor site in intron 9, and is expected to cause abnormal gene splicing. Additionally, thevariant was not observed in approximately 6,500 individuals of European and African Americanancestry in the NHLBI Exome Sequencing Project, indicating it is not a common benign variant inthese populations.

NM_005359.6(SMAD4):c.1140-1G>A

Gene: SMAD4 (SMAD family member 4; plus strand). Cytogenetic location: 18q21.2.
Variant type: single nucleotide variant.
Coding change: c.1140-1G>A on transcript NM_005359.6 (MANE Select); the canonical splice acceptor site of the intron before coding-DNA position 1140, G replaced by A.
Molecular consequence: splice acceptor variant.
Genome position (GRCh38, 1-based): chr18:51,067,018, G>A. VCF-style: chr18-51067018-G-A. GRCh37 (hg19) VCF-style: chr18-48593388-G-A.
Other names: c.1140-1G>A (NM_001407042.1, NM_001407041.1).
Identifiers: ClinVar variation 449645 (VCV000449645.5), dbSNP rs1555686594, ClinGen allele CA402464705.